The following is an entry in ClinVar:

NM_001079866.2(BCS1L):c.-49-548A>C

Gene: BCS1L (BCS1 ubiquinol-cytochrome c reductase complex chaperone; plus strand). Cytogenetic location: 2q35.
Variant type: single nucleotide variant.
Coding change: c.-49-548A>C on transcript NM_001079866.2 (MANE Select); 548 bases into the intron before 49 bases upstream of the start codon, A replaced by C.
Molecular consequence: intron variant. On other transcripts: 5 prime UTR variant (12), non-coding transcript variant (1).
Genome position (GRCh38, 1-based): chr2:218,660,391, A>C. VCF-style: chr2-218660391-A-C. GRCh37 (hg19) VCF-style: chr2-219525114-A-C.
Other names: c.-80A>C (NM_001320717.2, NM_001371443.1, NM_001371444.1 and 3 more transcripts); c.-407A>C (NM_001371446.1); c.-398A>C (NM_001371451.1); c.-1073A>C (NM_001371453.1, NM_001374086.1); c.-556A>C (NM_001371454.1); c.-597A>C (NM_001374085.1); c.-49-548A>C (NM_001257344.2); c.-50+146A>C (NM_004328.5); and 7 more.
Identifiers: ClinVar variation 4999262 (VCV004999262.1).
Genomic context (GRCh38, chr2:218,660,391, plus strand): 5'-AAGGTGCTGGAGCAGAGAGAGATATGGTATTGGAGCTGATCCCTATGATGAAAGATCTGG[A>C]CCCTTGTGTAGATGTTCCGTGAAGCAGGAGGTGAAGACCTATTAAAATGCCATTTCAAGA-3'

ClinVar aggregate classification (germline): Likely benign (1 of 4 stars; one submission).

Conditions:
BCS1L-related disorder. Also called: BCS1L-related condition; BCS1L-related disorders. Identifiers: MedGen CN239240.

Submission:

PreventionGenetics, part of Exact Sciences
Classification: Likely benign for BCS1L-related condition. Last evaluated: 2026-09-25. Review status: criteria provided, single submitter. Criteria: ACMG Guidelines, 2015. Collection method: clinical testing. Allele origin: germline.
Comment: This variant is classified as likely benign based on ACMG/AMP sequence variant interpretation guidelines (Richards et al. 2015 PMID: 25741868, with internal and published modifications).